The following is an entry in ClinVar:

ClinVar aggregate classification (germline): Likely benign. Review status: criteria provided, multiple submitters, no conflicts (2 of 4 stars). 5 submissions from 5 submitters: Likely benign (4). 1 of the submissions does not count toward it. Last evaluated 2025-11-24.

Conditions:
Charcot-Marie-Tooth disease. Also called: Charcot-Marie-Tooth Neuropathy; Charcot-Marie-Tooth Hereditary Neuropathy. Identifiers: Orphanet 166, MedGen C0007959, MONDO:0015626.
DYNC1H1-related disorder. Also called: DYNC1H1-related condition; DYNC1H1-related disorders. Identifiers: MedGen CN381529.
Charcot-Marie-Tooth disease axonal type 2O. Also called: CHARCOT-MARIE-TOOTH NEUROPATHY, AXONAL, TYPE 2O; CHARCOT-MARIE-TOOTH DISEASE, AXONAL, AUTOSOMAL DOMINANT, TYPE 2O; Charcot-Marie-Tooth Neuropathy Type 2O; Charcot-Marie-Tooth disease, axonal, type 20. Identifiers: Orphanet 284232, MedGen C3280220, MONDO:0013644, OMIM 614228.

Allele frequency attached by ClinVar (database versions not stated): gnomAD exomes 0.00004; ExAC 0.00005; ESP Exome Variant Server 0.00008; TOPMed 0.00008; gnomAD 0.00009.
gnomAD v4.1: 105 of 1,613,756 alleles (0.0065%); highest among the groups gnomAD compares: Non-Finnish European, 0.0072%; no homozygotes.

Submissions (5):

Labcorp Genetics (formerly Invitae), Labcorp
Classification: Likely benign for Charcot-Marie-Tooth disease axonal type 2O. Last evaluated: 2025-11-24. Review status: criteria provided, single submitter. Criteria: Invitae Variant Classification Sherloc (09022015). Collection method: clinical testing. Allele origin: germline.

Blueprint Genetics
Classification: Likely benign. Last evaluated: 2024-09-23. Review status: criteria provided, single submitter. Criteria: ACMG Guidelines, 2015. Collection method: clinical testing. Allele origin: germline.

GeneDx
Classification: Likely benign. Last evaluated: 2017-07-05. Review status: criteria provided, single submitter. Criteria: GeneDx Variant Classification (06012015). Collection method: clinical testing. Allele origin: germline. Affected: yes.
Comment: This variant is considered likely benign or benign based on one or more of the following criteria: it is a conservative change, it occurs at a poorly conserved position in the protein, it is predicted to be benign by multiple in silico algorithms, and/or has population frequency not consistent with disease.

Molecular Genetics Laboratory, London Health Sciences Centre
Classification: Likely benign for Charcot-Marie-Tooth disease. Review status: criteria provided, single submitter. Criteria: ACMG Guidelines, 2015. Collection method: clinical testing. Allele origin: germline. Affected: yes.

PreventionGenetics, part of Exact Sciences
Classification: Likely benign for DYNC1H1-related condition. Last evaluated: 2020-03-05. Review status: no assertion criteria provided. Collection method: clinical testing. Allele origin: germline. Not counted in ClinVar's aggregate classification.
Comment: This variant is classified as likely benign based on ACMG/AMP sequence variant interpretation guidelines (Richards et al. 2015 PMID: 25741868, with internal and published modifications).

NM_001376.5(DYNC1H1):c.13515+9G>A

Gene: DYNC1H1 (dynein cytoplasmic 1 heavy chain 1; plus strand). Cytogenetic location: 14q32.31.
Variant type: single nucleotide variant.
Coding change: c.13515+9G>A on transcript NM_001376.5 (MANE Select); 9 bases into the intron after coding-DNA position 13515, G replaced by A.
Molecular consequence: intron variant.
Genome position (GRCh38, 1-based): chr14:102,049,591, G>A. VCF-style: chr14-102049591-G-A. GRCh37 (hg19) VCF-style: chr14-102515928-G-A.
Identifiers: ClinVar variation 382886 (VCV000382886.14), dbSNP rs374678076, ClinGen allele CA7354254.